The following is an entry in ClinVar:

ClinVar aggregate classification (germline): Conflicting classifications of pathogenicity. Review status: criteria provided, conflicting classifications (1 of 4 stars). 3 submissions from 3 submitters: Uncertain significance (2); Likely benign (1). Last evaluated 2025-10-02.

Conditions:
Bethlem myopathy 1A. Also called: MYOPATHY, BENIGN CONGENITAL, WITH CONTRACTURES; Bethlem myopathy 1; Bethlem Muscular Dystrophy. Identifiers: Orphanet 610, MedGen CN029274, MONDO:0024530, OMIM 158810.

Allele frequency attached by ClinVar (database versions not stated): gnomAD 0.00001.

Submissions (3):

Labcorp Genetics (formerly Invitae), Labcorp
Classification: Likely benign for Bethlem myopathy 1A. Last evaluated: 2025-10-02. Review status: criteria provided, single submitter. Criteria: Invitae Variant Classification Sherloc (09022015). Collection method: clinical testing. Allele origin: germline.

GeneDx
Classification: Uncertain significance. Last evaluated: 2025-06-07. Review status: criteria provided, single submitter. Criteria: GeneDx Variant Classification Process June 2021. Collection method: clinical testing. Allele origin: germline. Affected: yes.
Comment: In silico analysis supports that this missense variant has a deleterious effect on protein structure/function; Has not been previously published as pathogenic or benign to our knowledge

Women's Health and Genetics/Laboratory Corporation of America, LabCorp
Classification: Uncertain significance. Last evaluated: 2024-10-15. Review status: criteria provided, single submitter. Criteria: LabCorp Variant Classification Summary - May 2015. Collection method: clinical testing. Allele origin: germline.
Comment: Variant summary: COL6A1 c.235C>T (p.Arg79Cys) results in a non-conservative amino acid change located in the von Willebrand factor, type A domain (IPR002035) of the encoded protein sequence. Four of five in-silico tools predict a damaging effect of the variant on protein function. The variant allele was found at a frequency of 1.3e-05 in 236844 control chromosomes (gnomAD). The available data on variant occurrences in the general population are insufficient to allow any conclusion about variant significance. To our knowledge, no occurrence of c.235C>T in individuals affected with Ullrich congenital muscular dystrophy 1 and no experimental evidence demonstrating its impact on protein function have been reported. ClinVar contains an entry for this variant (Variation ID: 2711951). Based on the evidence outlined above, the variant was classified as uncertain significance.

NM_001848.3(COL6A1):c.235C>T (p.Arg79Cys)

Gene: COL6A1 (collagen type VI alpha 1 chain; plus strand). Cytogenetic location: 21q22.3.
Variant type: single nucleotide variant.
Coding change: c.235C>T on transcript NM_001848.3 (MANE Select); coding-DNA position 235, C replaced by T.
Protein change: p.Arg79Cys; replaces arginine 79 with cysteine.
Molecular consequence: missense variant.
Genome position (GRCh38, 1-based): chr21:45,984,276, C>T. VCF-style: chr21-45984276-C-T. GRCh37 (hg19) VCF-style: chr21-47404190-C-T.
Other names: short protein forms R79C.
Identifiers: ClinVar variation 2711951 (VCV002711951.5), dbSNP rs748810004, ClinGen allele CA410515712.
Genomic context (GRCh38, chr21:45,984,276, plus strand): 5'-GCGATGGCGCCAGGGGCCGCCCGCCTCACGCCCGCCGTGCCTGTTCCTGGCAGGTACTAC[C>T]GCTGTGACCGAAACCTGGTGTGGAACGCAGGCGCGCTGCACTACAGTGACGAGGTGGAGA-3'
Protein context (NP_001839.2, residues 69-89): FIDNLRDRYY[Arg79Cys]CDRNLVWNAG